The following is an entry in ClinVar:

NM_001291303.3(FAT4):c.14604A>G (p.Arg4868=)

Gene: FAT4 (FAT atypical cadherin 4; plus strand). Cytogenetic location: 4q28.1.
Variant type: single nucleotide variant.
Coding change: c.14604A>G on transcript NM_001291303.3 (MANE Select); coding-DNA position 14604, A replaced by G.
Protein change: p.Arg4868=; no amino-acid change (arginine 4868 retained).
Molecular consequence: synonymous variant.
Genome position (GRCh38, 1-based): chr4:125,491,420, A>G. VCF-style: chr4-125491420-A-G. GRCh37 (hg19) VCF-style: chr4-126412575-A-G.
Other names: p.Arg4866=; c.14601A>G, p.Arg4867= (NM_001291285.3); c.14598A>G, p.Arg4866= (NM_024582.6).
Identifiers: ClinVar variation 380802 (VCV000380802.22), dbSNP rs1014866, ClinGen allele CA3074595.

ClinVar aggregate classification (germline): Benign. Review status: criteria provided, multiple submitters, no conflicts (2 of 4 stars). 12 submissions from 11 submitters: Benign (9). 3 of the submissions do not count toward it. Last evaluated 2026-02-04.

Conditions:
Hennekam lymphangiectasia-lymphedema syndrome 2 (HKLLS2). Identifiers: Orphanet 2136, MedGen C4014939, MONDO:0014454, OMIM 616006.
Van Maldergem syndrome 2 (VMLDS2). Identifiers: Orphanet 314679, MedGen C3809875, MONDO:0014242, OMIM 615546.

Allele frequency attached by ClinVar (database versions not stated): 1000 Genomes Project 30x 0.73454; 1000 Genomes Project 0.74062; TOPMed 0.74209; ESP Exome Variant Server 0.74419; gnomAD 0.74715 and 0.74749; ExAC 0.75686; gnomAD exomes 0.75787 and 0.76330.
gnomAD v4.1: 1,229,649 of 1,613,936 alleles (76%); highest among the groups gnomAD compares: East Asian, 86%; 469,456 homozygotes.

Submissions (12):

Labcorp Genetics (formerly Invitae), Labcorp
Classification: Benign. Last evaluated: 2026-02-04. Review status: criteria provided, single submitter. Criteria: Invitae Variant Classification Sherloc (09022015). Collection method: clinical testing. Allele origin: germline.

Blueprint Genetics
Classification: Benign. Last evaluated: 2024-11-26. Review status: criteria provided, single submitter. Criteria: ACMG Guidelines, 2015. Collection method: clinical testing. Allele origin: germline.

Unidad de Genómica Garrahan, Hospital de Pediatría Garrahan
Classification: Benign. Last evaluated: 2024-01-24. Review status: criteria provided, single submitter. Criteria: ACMG Guidelines, 2015. Collection method: clinical testing. Allele origin: germline. Affected: no. Observed: 86 variant alleles.
Comment: This variant is classified as Benign based on local population frequency. This variant was detected in 91% of patients studied by a panel of primary immunodeficiencies. Number of patients: 86. Only high quality variants are reported.

Genome-Nilou Lab
Classification: Benign for Hennekam lymphangiectasia-lymphedema syndrome 2. Last evaluated: 2021-08-10. Review status: criteria provided, single submitter. Criteria: ACMG Guidelines, 2015. Collection method: clinical testing. Allele origin: germline. Affected: no.

Genome-Nilou Lab
Classification: Benign for Van Maldergem syndrome 2. Last evaluated: 2021-08-10. Review status: criteria provided, single submitter. Criteria: ACMG Guidelines, 2015. Collection method: clinical testing. Allele origin: germline. Affected: no.

Mayo Clinic Laboratories, Mayo Clinic
Classification: Benign. Last evaluated: 2021-04-07. Review status: criteria provided, single submitter. Criteria: ACMG Guidelines, 2015. Collection method: clinical testing. Allele origin: germline. Observed: 3 variant alleles.

Laboratory for Molecular Medicine, Mass General Brigham Personalized Medicine
Classification: Benign. Last evaluated: 2016-03-29. Review status: criteria provided, single submitter. Criteria: LMM Criteria. Collection method: clinical testing. Allele origin: germline.
Comment: Variant identified in a genome or exome case(s) and assessed due to predicted null impact of the variant or pathogenic assertions in the literature or databases. Disclaimer: This variant has not undergone full assessment. The following are preliminary notes: 76% of total chromosomes in ExAC

GeneDx
Classification: Benign. Last evaluated: 2016-01-08. Review status: criteria provided, single submitter. Criteria: GeneDx Variant Classification (06012015). Collection method: clinical testing. Allele origin: germline. Affected: yes.
Comment: This variant is considered likely benign or benign based on one or more of the following criteria: it is a conservative change, it occurs at a poorly conserved position in the protein, it is predicted to be benign by multiple in silico algorithms, and/or has population frequency not consistent with disease.

Breakthrough Genomics
Classification: Benign. Review status: criteria provided, single submitter. Criteria: ACMG Guidelines, 2015. Collection method: not provided. Allele origin: germline. Inheritance: Autosomal recessive inheritance. Affected: yes.

Clinical Genetics DNA and cytogenetics Diagnostics Lab, Erasmus MC, Erasmus Medical Center
Classification: Benign. Review status: no assertion criteria provided. Collection method: clinical testing. Allele origin: germline. Affected: yes. Study: VKGL Data-share Consensus. Not counted in ClinVar's aggregate classification.

Clinical Genetics, Academic Medical Center
Classification: Benign. Review status: no assertion criteria provided. Collection method: clinical testing. Allele origin: germline. Affected: yes. Study: VKGL Data-share Consensus. Not counted in ClinVar's aggregate classification.

Joint Genome Diagnostic Labs from Nijmegen and Maastricht, Radboudumc and MUMC+
Classification: Benign. Review status: no assertion criteria provided. Collection method: clinical testing. Allele origin: germline. Affected: yes. Study: VKGL Data-share Consensus. Not counted in ClinVar's aggregate classification.